The following is an entry in ClinVar:

NM_006172.4(NPPA):c.253G>A (p.Gly85Arg)

Genes: NPPA-AS1 (NPPA antisense RNA 1; plus strand), NPPA (natriuretic peptide A; minus strand), LOC114827827 (VISTA enhancer hs2123; plus strand). Cytogenetic location: 1p36.22.
Variant type: single nucleotide variant.
Coding change: c.253G>A on transcript NM_006172.4 (MANE Select); coding-DNA position 253, G replaced by A.
Protein change: p.Gly85Arg; replaces glycine 85 with arginine.
Molecular consequence: missense variant.
Genome position (GRCh38, 1-based): chr1:11,847,310, C>T on the plus strand (G>A on the coding strand, the complement: NPPA is on the minus strand). VCF-style: chr1-11847310-C-T. GRCh37 (hg19) VCF-style: chr1-11907367-C-T.
Other names: c.253G>A (LRG_751t1); short protein forms G85R.
Identifiers: ClinVar variation 240293 (VCV000240293.9), dbSNP rs749353276, ClinGen allele CA597047.
Genomic context (GRCh38, chr1:11,847,310, plus strand): 5'-AGGAGTCCCAGGGGCCCCGCCCGAGGGCACCTCCATCTCTCTGGGCTGGGCTGACTTCCC[C>T]GGTCCAGGGAGGCACCTCAGGGAGGGGGCTGAGAGCAGCCCCCGCTTCTTCATTCGGCTC-3'
Protein context (NP_006163.1, residues 75-95): SPLPEVPPWT[Gly85Arg]EVSPAQRDGG

ClinVar aggregate classification (germline): Uncertain significance. Review status: criteria provided, multiple submitters, no conflicts (2 of 4 stars). 2 submissions from 2 submitters: Uncertain significance (2). Last evaluated 2025-12-17.

Conditions:
Atrial fibrillation, familial, 6 (ATFB6). Identifiers: MedGen C2677294, MONDO:0012816, OMIM 612201.
Atrial standstill 2 (ATRST2). Also called: ATRIAL DILATION AND STANDSTILL; CARDIOMYOPATHY, ATRIAL DILATED, WITH ATRIAL STANDSTILL. Identifiers: Orphanet 1344, MedGen C3810401, MONDO:0014329, OMIM 615745.

Allele frequency attached by ClinVar (database versions not stated): TOPMed 0.00002; ExAC 0.00004; gnomAD exomes 0.00004; gnomAD 0.00005 and 0.00006.
gnomAD v4.1: 32 of 1,613,428 alleles (0.002%); highest among the groups gnomAD compares: Admixed American, 0.017%; no homozygotes.

Submissions (2):

Labcorp Genetics (formerly Invitae), Labcorp
Classification: Uncertain significance for Atrial fibrillation, familial, 6. Last evaluated: 2025-12-17. Review status: criteria provided, single submitter. Criteria: Invitae Variant Classification Sherloc (09022015). Collection method: clinical testing. Allele origin: germline.
Comment: This sequence change replaces glycine, which is neutral and non-polar, with arginine, which is basic and polar, at codon 85 of the NPPA protein (p.Gly85Arg). This variant is present in population databases (rs749353276, gnomAD 0.03%). This variant has not been reported in the literature in individuals affected with NPPA-related conditions. ClinVar contains an entry for this variant (Variation ID: 240293). An algorithm developed to predict the effect of missense changes on protein structure and function outputs the following: PolyPhen-2: "Benign". The arginine amino acid residue is found in multiple mammalian species, which suggests that this missense change does not adversely affect protein function. In summary, the available evidence is currently insufficient to determine the role of this variant in disease. Therefore, it has been classified as a Variant of Uncertain Significance.

Fulgent Genetics
Classification: Uncertain significance for Atrial fibrillation, familial, 6; Atrial standstill 2. Last evaluated: 2018-10-31. Review status: criteria provided, single submitter. Criteria: ACMG Guidelines, 2015. Collection method: clinical testing. Allele origin: unknown.